The following is an entry in ClinVar:

ClinVar aggregate classification (germline): Pathogenic (1 of 4 stars; one submission).

Conditions:
Colorectal cancer, hereditary nonpolyposis, type 7. Identifiers: Orphanet 144, MedGen C1858380, MONDO:0013725, OMIM 614385.

Submission:

Myriad Genetics, Inc.
Classification: Pathogenic for Colorectal cancer, hereditary nonpolyposis, type 7. Last evaluated: 2026-06-09. Review status: criteria provided, single submitter. Criteria: Myriad Autosomal Dominant, Autosomal Recessive and X-Linked Classification Criteria (2023). Collection method: clinical testing. Allele origin: unknown.
Comment: This variant is considered pathogenic. This variant creates a frameshift predicted to result in premature protein truncation.

NM_001040108.2(MLH3):c.2903del (p.Thr968fs)

Gene: MLH3 (mutL homolog 3; minus strand). Cytogenetic location: 14q24.3.
Variant type: Deletion.
Coding change: c.2903del on transcript NM_001040108.2 (MANE Select); coding-DNA position 2903, one base deleted (C; older notation c.2903delC).
Protein change: p.Thr968fs; shifts the reading frame from threonine 968.
Molecular consequence: frameshift variant.
Genome position (GRCh38, 1-based): chr14:75,046,753, G deleted on the plus strand (C on the coding strand, the reverse complement: MLH3 is on the minus strand). VCF-style (leftmost placement, unchanged base first): chr14-75046752-AG-A. GRCh37 (hg19) VCF-style: chr14-75513455-AG-A.
Other names: c.2903del, p.Thr968fs (NM_014381.3); short protein forms T968fs.
Identifiers: ClinVar variation 4876087 (VCV004876087.1).